The following is an entry in ClinVar:

ClinVar aggregate classification (germline): Uncertain significance (1 of 4 stars; one submission).

Allele frequency attached by ClinVar (database versions not stated): 1000 Genomes Project 0.00020; gnomAD exomes 0.00001; gnomAD 0.00001; ExAC 0.00002; 1000 Genomes Project 30x 0.00016.
gnomAD v4.1: 14 of 1,613,498 alleles (0.00087%); highest among the groups gnomAD compares: East Asian, 0.027%; no homozygotes.

Submission:

Labcorp Genetics (formerly Invitae), Labcorp
Classification: Uncertain significance. Last evaluated: 2025-06-08. Review status: criteria provided, single submitter. Criteria: Invitae Variant Classification Sherloc (09022015). Collection method: clinical testing. Allele origin: germline.
Comment: This sequence change replaces glutamic acid, which is acidic and polar, with lysine, which is basic and polar, at codon 439 of the MYLK3 protein (p.Glu439Lys). This variant is present in population databases (rs200074276, gnomAD 0.02%). This variant has not been reported in the literature in individuals affected with MYLK3-related conditions. ClinVar contains an entry for this variant (Variation ID: 2972300). An algorithm developed to predict the effect of missense changes on protein structure and function (PolyPhen-2) suggests that this variant is likely to be tolerated. In summary, the available evidence is currently insufficient to determine the role of this variant in disease. Therefore, it has been classified as a Variant of Uncertain Significance.

NM_182493.3(MYLK3):c.1315G>A (p.Glu439Lys)

Gene: MYLK3 (myosin light chain kinase 3; minus strand). Cytogenetic location: 16q11.2.
Variant type: single nucleotide variant.
Coding change: c.1315G>A on transcript NM_182493.3 (MANE Select); coding-DNA position 1315, G replaced by A.
Protein change: p.Glu439Lys; replaces glutamic acid 439 with lysine.
Molecular consequence: missense variant.
Genome position (GRCh38, 1-based): chr16:46,732,355, C>T on the plus strand (G>A on the coding strand, the complement: MYLK3 is on the minus strand). VCF-style: chr16-46732355-C-T. GRCh37 (hg19) VCF-style: chr16-46766267-C-T.
Other names: c.292G>A, p.Glu98Lys (NM_001308301.1); short protein forms E98K, E439K.
Identifiers: ClinVar variation 2972300 (VCV002972300.3), dbSNP rs200074276, ClinGen allele CA8038018.